The following is an entry in ClinVar:

ClinVar aggregate classification (germline): Conflicting classifications of pathogenicity. Review status: criteria provided, conflicting classifications (1 of 4 stars). 8 submissions from 8 submitters: Uncertain significance (1); Benign (2); Likely benign (3). 2 of the submissions do not count toward it. Last evaluated 2026-01-18.

Conditions:
TMEM126A-related disorder. Also called: TMEM126A-related condition.
Autosomal recessive optic atrophy, OPA7 type. Also called: OPTIC ATROPHY 7 WITH OR WITHOUT AUDITORY NEUROPATHY. Identifiers: Orphanet 227976, Orphanet 98676, MedGen C2751812, MONDO:0013069, OMIM 612989.

Allele frequency attached by ClinVar (database versions not stated): 1000 Genomes Project 30x 0.00047; 1000 Genomes Project 0.00060; TOPMed 0.00185; gnomAD exomes 0.00190 and 0.00349; ExAC 0.00203; gnomAD 0.00216 and 0.00220; ESP Exome Variant Server 0.00285.
gnomAD v4.1: 5,368 of 1,614,166 alleles (0.33%); highest among the groups gnomAD compares: Non-Finnish European, 0.41%; 14 homozygotes.

Submissions (8):

Labcorp Genetics (formerly Invitae), Labcorp
Classification: Benign. Last evaluated: 2026-01-18. Review status: criteria provided, single submitter. Criteria: Invitae Variant Classification Sherloc (09022015). Collection method: clinical testing. Allele origin: germline.

CeGaT Center for Human Genetics Tuebingen
Classification: Likely benign. Last evaluated: 2025-02-01. Review status: criteria provided, single submitter. Criteria: CeGaT Center For Human Genetics Tuebingen Variant Classification Criteria Version 2. Collection method: clinical testing. Allele origin: germline. Affected: yes. Observed: 3 variant alleles.
Comment: TMEM126A: BP4, BP7, BS2

Blueprint Genetics
Classification: Likely benign. Last evaluated: 2024-11-22. Review status: criteria provided, single submitter. Criteria: ACMG Guidelines, 2015. Collection method: clinical testing. Allele origin: germline.

Illumina Laboratory Services, Illumina
Classification: Likely benign for Autosomal recessive optic atrophy, OPA7 type. Last evaluated: 2018-01-13. Review status: criteria provided, single submitter. Criteria: ICSL Variant Classification Criteria 13 December 2019. Collection method: clinical testing. Allele origin: germline.
Comment: This variant was observed in the ICSL laboratory as part of a predisposition screen in an ostensibly healthy population. It had not been previously curated by ICSL or reported in the Human Gene Mutation Database (HGMD: prior to June 1st, 2018), and was therefore a candidate for classification through an automated scoring system. Utilizing variant allele frequency, disease prevalence and penetrance estimates, and inheritance mode, an automated score was calculated to assess if this variant is too frequent to cause the disease. Based on the score and internal cut-off values, a variant classified as likely benign is not then subjected to further curation. The score for this variant resulted in a classification of likely benign for this disease.

Eurofins Ntd Llc (ga)
Classification: Uncertain significance. Last evaluated: 2017-09-20. Review status: criteria provided, single submitter. Criteria: EGL Classification Definitions 2015. Collection method: clinical testing. Allele origin: germline. Observed: 2 variant alleles, 2 heterozygotes.

GeneDx
Classification: Benign. Last evaluated: 2012-12-21. Review status: criteria provided, single submitter. Criteria: GeneDx Variant Classification (06012015). Collection method: clinical testing. Allele origin: germline. Affected: yes.
Comment: This variant is considered likely benign or benign based on one or more of the following criteria: it is a conservative change, it occurs at a poorly conserved position in the protein, it is predicted to be benign by multiple in silico algorithms, and/or has population frequency not consistent with disease.

PreventionGenetics, part of Exact Sciences
Classification: Likely benign for TMEM126A-related condition. Last evaluated: 2019-10-16. Review status: no assertion criteria provided. Collection method: clinical testing. Allele origin: germline. Not counted in ClinVar's aggregate classification.
Comment: This variant is classified as likely benign based on ACMG/AMP sequence variant interpretation guidelines (Richards et al. 2015 PMID: 25741868, with internal and published modifications).

Mayo Clinic Laboratories, Mayo Clinic
Classification: Likely benign. Last evaluated: 2016-02-26. Review status: no assertion criteria provided. Collection method: clinical testing. Allele origin: unknown. Not counted in ClinVar's aggregate classification.

NM_032273.4(TMEM126A):c.96T>G (p.Leu32=)

Gene: TMEM126A (transmembrane protein 126A; plus strand). Cytogenetic location: 11q14.1.
Variant type: single nucleotide variant.
Coding change: c.96T>G on transcript NM_032273.4 (MANE Select); coding-DNA position 96, T replaced by G.
Protein change: p.Leu32=; no amino-acid change (leucine 32 retained).
Molecular consequence: synonymous variant. On other transcripts: 5 prime UTR variant (1).
Genome position (GRCh38, 1-based): chr11:85,654,072, T>G. VCF-style: chr11-85654072-T-G. GRCh37 (hg19) VCF-style: chr11-85365116-T-G.
Other names: p.L32L:CTT>CTG; c.-115T>G (NM_001244735.2).
Identifiers: ClinVar variation 137669 (VCV000137669.49), dbSNP rs36100288, ClinGen allele CA291323.